The following is an entry in ClinVar:

NM_002528.7(NTHL1):c.525G>A (p.Arg175=)

Gene: NTHL1 (nth like DNA glycosylase 1; minus strand). Cytogenetic location: 16p13.3.
Variant type: single nucleotide variant.
Coding change: c.525G>A on transcript NM_002528.7 (MANE Select); coding-DNA position 525, G replaced by A.
Protein change: p.Arg175=; no amino-acid change (arginine 175 retained).
Molecular consequence: synonymous variant. On other transcripts: intron variant (1).
Genome position (GRCh38, 1-based): chr16:2,044,630, C>T on the plus strand (G>A on the coding strand, the complement: NTHL1 is on the minus strand). VCF-style: chr16-2044630-C-T. GRCh37 (hg19) VCF-style: chr16-2094631-C-T.
Other names: c.195G>A, p.Arg65= (NM_001318194.2); c.355-904G>A (NM_001318193.2).
Identifiers: ClinVar variation 861425 (VCV000861425.15), dbSNP rs746192138, ClinGen allele CA492952720.

ClinVar aggregate classification (germline): Uncertain significance. Review status: criteria provided, multiple submitters, no conflicts (2 of 4 stars). 3 submissions from 3 submitters: Uncertain significance (3). Last evaluated 2026-08-04.

Conditions:
Hereditary cancer-predisposing syndrome. Also called: Tumor predisposition; Hereditary neoplastic syndrome; Neoplastic Syndromes, Hereditary; Hereditary Cancer Syndrome. Identifiers: Orphanet 140162, MedGen C0027672, MeSH D009386, MONDO:0015356.

Allele frequency attached by ClinVar (database versions not stated): gnomAD 0.00001; TOPMed below 0.00001.
gnomAD v4.1: 2 of 1,603,122 alleles (0.00012%); highest among the groups gnomAD compares: African/African-American, 0.0027%; no homozygotes.

Submissions (3):

Ambry Genetics
Classification: Uncertain significance for Hereditary cancer-predisposing syndrome. Last evaluated: 2026-08-04. Review status: criteria provided, single submitter. Criteria: Ambry Variant Classification Scheme 2023. Collection method: clinical testing. Allele origin: germline.
Comment: The c.549G>A variant (also known as p.R183R), located in coding exon 3 of the NTHL1 gene. This variant results from a G to A substitution at nucleotide position 549. This nucleotide substitution does not change the arginine at codon 183. However, this change occurs in the last base pair of coding exon 3, which makes it likely to have some effect on normal mRNA splicing. This nucleotide position is highly conserved in available vertebrate species. In silico splice site analysis for this alteration is inconclusive. RNA studies have demonstrated that this variant results in an incomplete splice defect; the clinical impact of this abnormal splicing is unknown at this time (Ambry internal data). Since supporting evidence is limited at this time, the clinical significance of this alteration remains unclear.

Labcorp Genetics (formerly Invitae), Labcorp
Classification: Uncertain significance. Last evaluated: 2025-12-20. Review status: criteria provided, single submitter. Criteria: Invitae Variant Classification Sherloc (09022015). Collection method: clinical testing. Allele origin: germline.
Comment: This sequence change affects codon 183 of the NTHL1 mRNA. It is a 'silent' change, meaning that it does not change the encoded amino acid sequence of the NTHL1 protein. RNA analysis indicates that this variant induces altered splicing and likely results in a shortened protein product. This variant is present in population databases (no rsID available, gnomAD 0.01%). This variant has not been reported in the literature in individuals affected with NTHL1-related conditions. ClinVar contains an entry for this variant (Variation ID: 861425). Variants that disrupt the consensus splice site are a relatively common cause of aberrant splicing (PMID: 17576681, 9536098). Studies have shown that this variant results in skipping of exon 3, but is expected to preserve the integrity of the reading-frame (internal data). In summary, the available evidence is currently insufficient to determine the role of this variant in disease. Therefore, it has been classified as a Variant of Uncertain Significance.

GeneDx
Classification: Uncertain significance. Last evaluated: 2021-11-11. Review status: criteria provided, single submitter. Criteria: GeneDx Variant Classification Process June 2021. Collection method: clinical testing. Allele origin: germline. Affected: yes.
Comment: Not observed at significant frequency in large population cohorts (Lek et al., 2016); In silico analysis supports a deleterious effect on splicing; Has not been previously published as pathogenic or benign to our knowledge

Literature cited by the submitters: PubMed 17576681 (cited by Labcorp Genetics (formerly Invitae), Labcorp); PubMed 9536098 (cited by Labcorp Genetics (formerly Invitae), Labcorp).